The following is an entry in ClinVar:

ClinVar aggregate classification (germline): Uncertain significance (1 of 4 stars; one submission).

Submission:

GeneDx
Classification: Uncertain significance. Last evaluated: 2024-07-07. Review status: criteria provided, single submitter. Criteria: GeneDx Variant Classification Process June 2021. Collection method: clinical testing. Allele origin: germline. Affected: yes.
Comment: Not observed at significant frequency in large population cohorts (gnomAD); In silico analysis supports that this missense variant has a deleterious effect on protein structure/function; Has not been previously published as pathogenic or benign to our knowledge

NM_004539.4(NARS1):c.574A>G (p.Lys192Glu)

Gene: NARS1 (asparaginyl-tRNA synthetase 1; minus strand). Cytogenetic location: 18q21.31.
Variant type: single nucleotide variant.
Coding change: c.574A>G on transcript NM_004539.4 (MANE Select); coding-DNA position 574, A replaced by G.
Protein change: p.Lys192Glu; replaces lysine 192 with glutamic acid.
Molecular consequence: missense variant.
Genome position (GRCh38, 1-based): chr18:57,609,362, T>C on the plus strand (A>G on the coding strand, the complement: NARS1 is on the minus strand). VCF-style: chr18-57609362-T-C. GRCh37 (hg19) VCF-style: chr18-55276594-T-C.
Other names: short protein forms K192E.
Identifiers: ClinVar variation 3573627 (VCV003573627.1).